The following is an entry in ClinVar:

NM_000747.3(CHRNB1):c.1472C>T (p.Thr491Met)

Gene: CHRNB1 (cholinergic receptor nicotinic beta 1 subunit; plus strand). Cytogenetic location: 17p13.1.
Variant type: single nucleotide variant.
Coding change: c.1472C>T on transcript NM_000747.3 (MANE Select); coding-DNA position 1472, C replaced by T.
Protein change: p.Thr491Met; replaces threonine 491 with methionine.
Molecular consequence: missense variant.
Genome position (GRCh38, 1-based): chr17:7,456,689, C>T. VCF-style: chr17-7456689-C-T. GRCh37 (hg19) VCF-style: chr17-7360008-C-T.
Other names: short protein forms T491M.
Identifiers: ClinVar variation 1906040 (VCV001906040.5), dbSNP rs750490746, ClinGen allele CA397803369.

ClinVar aggregate classification (germline): Uncertain significance (1 of 4 stars; one submission).

Conditions:
Congenital myasthenic syndrome 2A. Also called: Myasthenic syndrome, congenital, 2a, slow-channel. Identifiers: Orphanet 590, MedGen C4225374, MONDO:0014581, OMIM 616313.

gnomAD v4.1: 2 of 1,614,162 alleles (0.00012%); highest among the groups gnomAD compares: South Asian, 0.0011%; no homozygotes.

Submission:

Labcorp Genetics (formerly Invitae), Labcorp
Classification: Uncertain significance for Congenital myasthenic syndrome 2A. Last evaluated: 2022-10-05. Review status: criteria provided, single submitter. Criteria: Invitae Variant Classification Sherloc (09022015). Collection method: clinical testing. Allele origin: germline.
Comment: Algorithms developed to predict the effect of missense changes on protein structure and function are either unavailable or do not agree on the potential impact of this missense change (SIFT: "Deleterious"; PolyPhen-2: "Possibly Damaging"; Align-GVGD: "Class C0"). In summary, the available evidence is currently insufficient to determine the role of this variant in disease. Therefore, it has been classified as a Variant of Uncertain Significance. This sequence change replaces threonine, which is neutral and polar, with methionine, which is neutral and non-polar, at codon 491 of the CHRNB1 protein (p.Thr491Met). This variant has not been reported in the literature in individuals affected with CHRNB1-related conditions. This variant is not present in population databases (gnomAD no frequency).